The following is an entry in ClinVar:

ClinVar aggregate classification (germline): Uncertain significance (1 of 4 stars; one submission).

Submission:

Labcorp Genetics (formerly Invitae), Labcorp
Classification: Uncertain significance. Last evaluated: 2024-04-14. Review status: criteria provided, single submitter. Criteria: Invitae Variant Classification Sherloc (09022015). Collection method: clinical testing. Allele origin: germline.
Comment: This sequence change replaces proline, which is neutral and non-polar, with serine, which is neutral and polar, at codon 255 of the TCF3 protein (p.Pro255Ser). This variant is not present in population databases (gnomAD no frequency). This variant has not been reported in the literature in individuals affected with TCF3-related conditions. Algorithms developed to predict the effect of missense changes on protein structure and function output the following: SIFT: "Not Available"; PolyPhen-2: "Benign"; Align-GVGD: "Not Available". The serine amino acid residue is found in multiple mammalian species, which suggests that this missense change does not adversely affect protein function. In summary, the available evidence is currently insufficient to determine the role of this variant in disease. Therefore, it has been classified as a Variant of Uncertain Significance.

NM_003200.5(TCF3):c.763C>T (p.Pro255Ser)

Gene: TCF3 (transcription factor 3; minus strand). Cytogenetic location: 19p13.3.
Variant type: single nucleotide variant.
Coding change: c.763C>T on transcript NM_003200.5 (MANE Select); coding-DNA position 763, C replaced by T.
Protein change: p.Pro255Ser; replaces proline 255 with serine.
Molecular consequence: missense variant.
Genome position (GRCh38, 1-based): chr19:1,622,113, G>A on the plus strand (C>T on the coding strand, the complement: TCF3 is on the minus strand). VCF-style: chr19-1622113-G-A. GRCh37 (hg19) VCF-style: chr19-1622112-G-A.
Other names: c.763C>T, p.Pro255Ser (NM_001351779.2, NM_001136139.4, NM_001351778.2); short protein forms P255S.
Identifiers: ClinVar variation 2834581 (VCV002834581.3), dbSNP rs2513659134, ClinGen allele CA403055558.
Genomic context (GRCh38, chr19:1,622,113, plus strand): 5'-CCATACGCTCGTGCTGGTGCAGGCCACCAAACGTGCTGCTGCTTCCACTGCTGCCCACCG[G>A]GCCGCTACCGGGCGGGAGGGGCAGCGGGGATGAGCCCCCACCCAGCATGGGCCCGAAGCC-3'
Protein context (NP_003191.1, residues 245-265): SPLPLPPGSG[Pro255Ser]VGSSGSSSTF